The following is an entry in ClinVar:

ClinVar aggregate classification (germline): Likely pathogenic (1 of 4 stars; one submission).

Conditions:
Bardet-Biedl syndrome (BBS). Identifiers: Orphanet 110, MedGen C0752166, MONDO:0015229.

Submission:

Labcorp Genetics (formerly Invitae), Labcorp
Classification: Likely pathogenic for Bardet-Biedl syndrome. Last evaluated: 2026-01-26. Review status: criteria provided, single submitter. Criteria: Invitae Variant Classification Sherloc (09022015). Collection method: clinical testing. Allele origin: germline.
Comment: This sequence change affects an acceptor splice site in intron 21 of the BBS9 gene. It is expected to disrupt RNA splicing. Variants that disrupt the donor or acceptor splice site typically lead to a loss of protein function (PMID: 16199547), and loss-of-function variants in BBS9 are known to be pathogenic (PMID: 16380913, 20177705). This variant is not present in population databases (gnomAD no frequency). This variant has not been reported in the literature in individuals affected with BBS9-related conditions. Algorithms developed to predict the effect of sequence changes on RNA splicing suggest that this variant may disrupt the consensus splice site. In summary, the currently available evidence indicates that the variant is pathogenic, but additional data are needed to prove that conclusively. Therefore, this variant has been classified as Likely Pathogenic.

Literature cited by the submitters: PubMed 16199547; PubMed 16380913; PubMed 20177705.

NM_198428.3(BBS9):c.2522-1G>C

Gene: BBS9 (Bardet-Biedl syndrome 9; plus strand). Cytogenetic location: 7p14.3.
Variant type: single nucleotide variant.
Coding change: c.2522-1G>C on transcript NM_198428.3 (MANE Select); the canonical splice acceptor site of the intron before coding-DNA position 2522, G replaced by C.
Molecular consequence: splice acceptor variant. On other transcripts: intron variant (1).
Genome position (GRCh38, 1-based): chr7:33,604,864, G>C. VCF-style: chr7-33604864-G-C. GRCh37 (hg19) VCF-style: chr7-33644476-G-C.
Other names: c.2522-1G>C (NM_001348036.1, NM_001348041.4, NM_001348043.3); c.2522-30313G>C (NM_001362679.1); c.2249-1G>C (NM_001348038.3); c.2144-1G>C (NM_001348039.3); c.2507-1G>C (NM_001033605.2); c.2417-1G>C (NM_001033604.2); c.2402-1G>C (NM_014451.4, NM_001348040.3); c.1973-1G>C (NM_001348037.3); and 3 more.
Identifiers: ClinVar variation 4803624 (VCV004803624.1).